The following is an entry in ClinVar:

ClinVar aggregate classification (germline): Pathogenic/Likely pathogenic. Review status: criteria provided, multiple submitters, no conflicts (2 of 4 stars). 2 submissions from 2 submitters: Pathogenic (1); Likely pathogenic (1). Last evaluated 2024-05-22.

Conditions:
Neurofibromatosis, type 1 (NF1). Also called: Peripheral type neurofibromatosis; VON RECKLINGHAUSEN DISEASE; NEUROFIBROMATOSIS, TYPE I, SOMATIC; Neurofibromatosis, type I. Identifiers: Orphanet 636, MedGen C0027831, MONDO:0018975, OMIM 162200. Disease mechanism: loss of function.
NF1-related disorder. Also called: NF1-related condition. Identifiers: MedGen CN379171.

Submissions (2):

Blueprint Genetics
Classification: Likely pathogenic for NF1-related disorders. Last evaluated: 2024-05-22. Review status: criteria provided, single submitter. Criteria: ACMG Guidelines, 2015. Collection method: clinical testing. Allele origin: germline. Affected: yes. Observed: 1 variant allele.

Labcorp Genetics (formerly Invitae), Labcorp
Classification: Pathogenic for Neurofibromatosis, type 1. Last evaluated: 2023-11-08. Review status: criteria provided, single submitter. Criteria: Invitae Variant Classification Sherloc (09022015). Collection method: clinical testing. Allele origin: germline.
Comment: This sequence change creates a premature translational stop signal (p.Ile2275Asnfs*11) in the NF1 gene. It is expected to result in an absent or disrupted protein product. Loss-of-function variants in NF1 are known to be pathogenic (PMID: 10712197, 23913538). This variant is not present in population databases (gnomAD no frequency). This variant has not been reported in the literature in individuals affected with NF1-related conditions. Algorithms developed to predict the effect of sequence changes on RNA splicing suggest that this variant may disrupt the consensus splice site. For these reasons, this variant has been classified as Pathogenic.

Literature cited by the submitters: PubMed 10712197 (cited by Labcorp Genetics (formerly Invitae), Labcorp); PubMed 23913538 (cited by Labcorp Genetics (formerly Invitae), Labcorp).

NM_001042492.3(NF1):c.6886dup (p.Ile2296fs)

Gene: NF1 (neurofibromin 1; plus strand). Cytogenetic location: 17q11.2.
Variant type: Duplication.
Coding change: c.6886dup on transcript NM_001042492.3 (MANE Select); coding-DNA position 6886, one base duplicated (A; older notation c.6886dupA).
Protein change: p.Ile2296fs; shifts the reading frame from isoleucine 2296.
Molecular consequence: frameshift variant.
Genome position (GRCh38, 1-based): chr17:31,338,770, A duplicated; the last of 2 consecutive A bases (chr17:31,338,769-31,338,770); duplicating either gives the same sequence. VCF-style (leftmost placement, unchanged base first): chr17-31338768-T-TA. GRCh37 (hg19) VCF-style: chr17-29665786-T-TA.
Other names: c.6823dup, p.Ile2275Asnfs (NM_000267.4); short protein forms I2275fs, I2296fs.
Identifiers: ClinVar variation 2758758 (VCV002758758.4), dbSNP rs2508762963, ClinGen allele CA2697559629.